The following is an entry in ClinVar:

NM_030962.4(SBF2):c.5200A>C (p.Ser1734Arg)

Genes: SBF2 (SET binding factor 2; minus strand), SBF2-AS1 (SBF2 antisense RNA 1; plus strand), LOC105369149 (uncharacterized LOC105369149; plus strand). Cytogenetic location: 11p15.4.
Variant type: single nucleotide variant.
Coding change: c.5200A>C on transcript NM_030962.4 (MANE Select); coding-DNA position 5200, A replaced by C.
Protein change: p.Ser1734Arg; replaces serine 1734 with arginine.
Molecular consequence: missense variant.
Genome position (GRCh38, 1-based): chr11:9,785,156, T>G on the plus strand (A>C on the coding strand, the complement: SBF2 is on the minus strand). VCF-style: chr11-9785156-T-G. GRCh37 (hg19) VCF-style: chr11-9806703-T-G.
Other names: c.5296A>C, p.Ser1766Arg (NM_001386339.1); c.5071A>C, p.Ser1691Arg (NM_001386342.1); short protein forms S1734R, S1691R, S1766R.
Identifiers: ClinVar variation 645714 (VCV000645714.9), dbSNP rs1411871638, ClinGen allele CA379631502.

ClinVar aggregate classification (germline): Uncertain significance (1 of 4 stars; one submission).

Conditions:
Charcot-Marie-Tooth disease type 4. Also called: Charcot-Marie-Tooth disease, type IV; Charcot-Marie-Tooth, Type 4. Identifiers: Orphanet 64749, MedGen C4082197, MONDO:0018995.

Allele frequency attached by ClinVar (database versions not stated): gnomAD exomes below 0.00001.
gnomAD v4.1: 2 of 1,613,506 alleles (0.00012%); highest among the groups gnomAD compares: Non-Finnish European, 0.00017%; no homozygotes.

Submission:

Labcorp Genetics (formerly Invitae), Labcorp
Classification: Uncertain significance for Charcot-Marie-Tooth disease type 4. Last evaluated: 2018-12-17. Review status: criteria provided, single submitter. Criteria: Invitae Variant Classification Sherloc (09022015). Collection method: clinical testing. Allele origin: germline.
Comment: In summary, the available evidence is currently insufficient to determine the role of this variant in disease. Therefore, it has been classified as a Variant of Uncertain Significance. Algorithms developed to predict the effect of missense changes on protein structure and function are either unavailable or do not agree on the potential impact of this missense change (SIFT: "Deleterious"; PolyPhen-2: "Benign"; Align-GVGD: "Class C0"). This variant has not been reported in the literature in individuals with SBF2-related conditions. This variant is not present in population databases (ExAC no frequency). This sequence change replaces serine with arginine at codon 1734 of the SBF2 protein (p.Ser1734Arg). The serine residue is weakly conserved and there is a moderate physicochemical difference between serine and arginine.